The following is an entry in ClinVar:

ClinVar aggregate classification (germline): Uncertain significance (1 of 4 stars; one submission).

Conditions:
T-B+ severe combined immunodeficiency due to JAK3 deficiency. Also called: SCID, T CELL-NEGATIVE, B CELL-POSITIVE, NK CELL-NEGATIVE; SCID, autosomal recessive, T-negative/B-positive type. Identifiers: Orphanet 35078, MedGen C1833275, MONDO:0010938, OMIM 600802.

Allele frequency attached by ClinVar (database versions not stated): TOPMed 0.00001; ExAC 0.00005.
gnomAD v4.1: 26 of 1,614,220 alleles (0.0016%); highest among the groups gnomAD compares: Admixed American, 0.013%; no homozygotes.

Submission:

Labcorp Genetics (formerly Invitae), Labcorp
Classification: Uncertain significance for T-B+ severe combined immunodeficiency due to JAK3 deficiency. Last evaluated: 2021-08-13. Review status: criteria provided, single submitter. Criteria: Invitae Variant Classification Sherloc (09022015). Collection method: clinical testing. Allele origin: germline.
Comment: This sequence change replaces arginine with cysteine at codon 887 of the JAK3 protein (p.Arg887Cys). The arginine residue is moderately conserved and there is a large physicochemical difference between arginine and cysteine. This variant is present in population databases (rs759015510, ExAC 0.03%). This variant has not been reported in the literature in individuals affected with JAK3-related conditions. Algorithms developed to predict the effect of missense changes on protein structure and function (SIFT, PolyPhen-2, Align-GVGD) all suggest that this variant is likely to be disruptive. In summary, the available evidence is currently insufficient to determine the role of this variant in disease. Therefore, it has been classified as a Variant of Uncertain Significance.

NM_000215.4(JAK3):c.2659C>T (p.Arg887Cys)

Gene: JAK3 (Janus kinase 3; minus strand). Cytogenetic location: 19p13.11.
Variant type: single nucleotide variant.
Coding change: c.2659C>T on transcript NM_000215.4 (MANE Select); coding-DNA position 2659, C replaced by T.
Protein change: p.Arg887Cys; replaces arginine 887 with cysteine.
Molecular consequence: missense variant.
Genome position (GRCh38, 1-based): chr19:17,832,540, G>A on the plus strand (C>T on the coding strand, the complement: JAK3 is on the minus strand). VCF-style: chr19-17832540-G-A. GRCh37 (hg19) VCF-style: chr19-17943349-G-A.
Other names: short protein forms R887C.
Identifiers: ClinVar variation 841595 (VCV000841595.7), dbSNP rs759015510, ClinGen allele CA9301561.